The following is an entry in ClinVar:

ClinVar aggregate classification (germline): Uncertain significance. Review status: criteria provided, multiple submitters, no conflicts (2 of 4 stars). 2 submissions from 2 submitters: Uncertain significance (2). Last evaluated 2026-07-07.

Conditions:
Gorlin syndrome. Also called: Nevoid Basal Cell Carcinoma Syndrome; Basal cell nevus syndrome. Identifiers: Orphanet 377, MedGen C0004779, MONDO:0007187.
Medulloblastoma (MDB). Also called: MEDULLOBLASTOMA PREDISPOSITION SYNDROME; Medulloblastoma, somatic. Identifiers: Orphanet 616, MedGen C0025149, MeSH D008527, MONDO:0007959, OMIM 155255, HP:0002885.
Hereditary cancer-predisposing syndrome. Also called: Neoplastic Syndromes, Hereditary; Hereditary Cancer Syndrome; Hereditary neoplastic syndrome; Tumor predisposition. Identifiers: Orphanet 140162, MedGen C0027672, MeSH D009386, MONDO:0015356.

Submissions (2):

Ambry Genetics
Classification: Uncertain significance for Hereditary cancer-predisposing syndrome. Last evaluated: 2026-07-07. Review status: criteria provided, single submitter. Criteria: Ambry Variant Classification Scheme 2023. Collection method: clinical testing. Allele origin: germline.
Comment: The p.S472F variant (also known as c.1415C>T), located in coding exon 12 of the SUFU gene, results from a C to T substitution at nucleotide position 1415. The serine at codon 472 is replaced by phenylalanine, an amino acid with highly dissimilar properties. This amino acid position is conserved. In addition, the in silico prediction for this alteration is inconclusive. Based on the available evidence, the clinical significance of this variant remains unclear.

Labcorp Genetics (formerly Invitae), Labcorp
Classification: Uncertain significance for Gorlin syndrome; Medulloblastoma. Last evaluated: 2018-12-16. Review status: criteria provided, single submitter. Criteria: Invitae Variant Classification Sherloc (09022015). Collection method: clinical testing. Allele origin: germline.
Comment: This sequence change replaces serine with phenylalanine at codon 472 of the SUFU protein (p.Ser472Phe). The serine residue is highly conserved and there is a large physicochemical difference between serine and phenylalanine. This variant is not present in population databases (ExAC no frequency). This variant has not been reported in the literature in individuals with SUFU-related conditions. Algorithms developed to predict the effect of missense changes on protein structure and function (SIFT, PolyPhen-2, Align-GVGD) all suggest that this variant is likely to be disruptive, but these predictions have not been confirmed by published functional studies and their clinical significance is uncertain. In summary, the available evidence is currently insufficient to determine the role of this variant in disease. Therefore, it has been classified as a Variant of Uncertain Significance.

NM_016169.4(SUFU):c.1415C>T (p.Ser472Phe)

Gene: SUFU (SUFU negative regulator of hedgehog signaling; plus strand). Cytogenetic location: 10q24.32.
Variant type: single nucleotide variant.
Coding change: c.1415C>T on transcript NM_016169.4 (MANE Select); coding-DNA position 1415, C replaced by T.
Protein change: p.Ser472Phe; replaces serine 472 with phenylalanine.
Molecular consequence: missense variant.
Genome position (GRCh38, 1-based): chr10:102,630,115, C>T. VCF-style: chr10-102630115-C-T. GRCh37 (hg19) VCF-style: chr10-104389872-C-T.
Other names: short protein forms S472F.
Identifiers: ClinVar variation 639630 (VCV000639630.10), dbSNP rs1590094982, ClinGen allele CA377920931.
Genomic context (GRCh38, chr10:102,630,115, plus strand): 5'-TCCCTCCACAGTTCAAACTTCCCAAAGAGTACAGCTGGCCTGAAAAGAAGCTGAAGGTCT[C>T]CATCCTGCCTGACGTGGTGTTCGACAGTCCGCTACACTAGCCTGGGCTGGGCCCTGCAGT-3'
Protein context (NP_057253.2, residues 462-482): YSWPEKKLKV[Ser472Phe]ILPDVVFDSP